The following is an entry in ClinVar:

ClinVar aggregate classification (germline): Uncertain significance (1 of 4 stars; one submission).

Conditions:
ADCY3-related disorder. Also called: ADCY3-related condition.

gnomAD v4.1: 14 of 1,575,032 alleles (0.00089%); highest among the groups gnomAD compares: Non-Finnish European, 0.0012%; no homozygotes.

Submission:

PreventionGenetics, part of Exact Sciences
Classification: Uncertain significance for ADCY3-related condition. Last evaluated: 2024-12-13. Review status: criteria provided, single submitter. Criteria: ACMG Guidelines, 2015. Collection method: clinical testing. Allele origin: germline.
Comment: The ADCY3 c.3292G>T variant is predicted to result in the amino acid substitution p.Gly1098Cys. To our knowledge, this variant has not been reported in the literature. This variant is reported in 0.010% of alleles in individuals of European (Non-Finnish) descent in gnomAD. At this time, the clinical significance of this variant is uncertain due to the absence of conclusive functional and genetic evidence.

NM_004036.5(ADCY3):c.3289G>T (p.Gly1097Cys)

Genes: ADCY3 (adenylate cyclase 3; minus strand), CENPO (centromere protein O; plus strand). Cytogenetic location: 2p23.3.
Variant type: single nucleotide variant.
Coding change: c.3289G>T on transcript NM_004036.5 (MANE Select); coding-DNA position 3289, G replaced by T.
Protein change: p.Gly1097Cys; replaces glycine 1097 with cysteine.
Molecular consequence: missense variant. On other transcripts: 3 prime UTR variant (4), non-coding transcript variant (3).
Genome position (GRCh38, 1-based): chr2:24,820,078, C>A on the plus strand (G>T on the coding strand, the complement: ADCY3 is on the minus strand). VCF-style: chr2-24820078-C-A. GRCh37 (hg19) VCF-style: chr2-25042947-C-A.
Other names: c.3292G>T, p.Gly1098Cys (NM_001320613.2); c.3355G>T, p.Gly1119Cys (NM_001377128.1); c.3151G>T, p.Gly1051Cys (NM_001377129.1); c.*30G>T (NM_001377130.1); c.2566G>T, p.Gly856Cys (NM_001377131.1); c.3289G>T, p.Gly1097Cys (NM_001377132.1); c.*760C>A (NM_001199803.3, NM_001322101.2, NM_024322.4); short protein forms G1098C, G1119C, G1051C, G1097C, G856C.
Identifiers: ClinVar variation 5000744 (VCV005000744.1).
Genomic context (GRCh38, chr2:24,820,078, plus strand): 5'-AGGTCAGCAGCTCCCCCTTCCCCTTCACAAAGATGGGGCCTCGCCTCACAAAGCGGAAGC[C>A]GTACTCTCGGAGGATGACTTGGGTTTCTTCTACCACCTGGAGAGGGAGGGGGAGCAAGAA-3'
Protein context (NP_004027.2, residues 1087-1107): EETQVILREY[Gly1097Cys]FRFVRRGPIF